The following is an entry in ClinVar:

ClinVar aggregate classification (germline): Pathogenic. Review status: criteria provided, single submitter (1 of 4 stars). 3 submissions from 3 submitters: Pathogenic (1). 2 of the submissions do not count toward it. Last evaluated 2025-09-23.

Conditions:
Bardet-Biedl syndrome (BBS). Identifiers: Orphanet 110, MedGen C0752166, MONDO:0015229.
Bardet-Biedl syndrome 4 (BBS4). Identifiers: Orphanet 110, MedGen C2936864, MONDO:0014433, OMIM 615982.

Submissions (3):

Women's Health and Genetics/Laboratory Corporation of America, LabCorp
Classification: Pathogenic for Bardet-Biedl syndrome. Last evaluated: 2025-09-23. Review status: criteria provided, single submitter. Criteria: LabCorp Variant Classification Summary - May 2015. Collection method: clinical testing. Allele origin: germline.
Comment: Variant summary: BBS4 c.884G>C (p.Arg295Pro) results in a non-conservative amino acid change in the encoded protein sequence. Algorithms developed to predict the effect of missense changes on protein structure and function all suggest that this variant is likely to be disruptive. The variant allele was found at a frequency of 4e-06 in 251488 control chromosomes. c.884G>C has been observed in multiple individuals affected with Bardet-Biedl Syndrome (example: Heon_2005). These data indicate that the variant is very likely to be associated with disease. The following publication has been ascertained in the context of this evaluation (PMID: 15690372). ClinVar contains an entry for this variant (Variation ID: 9145). Based on the evidence outlined above, the variant was classified as pathogenic.

Sharon lab, Hadassah-Hebrew University Medical Center
Classification: Pathogenic for Bardet-Biedl syndrome. Last evaluated: 2019-06-23. Review status: no assertion criteria provided. Collection method: research. Allele origin: inherited. Affected: yes. Not counted in ClinVar's aggregate classification.

OMIM
Classification: Pathogenic for BARDET-BIEDL SYNDROME 4. Last evaluated: 2001-06-01. Review status: no assertion criteria provided. Collection method: literature only. Allele origin: germline. Not counted in ClinVar's aggregate classification.

Literature cited by the submitters: PubMed 15690372 (cited by Women's Health and Genetics/Laboratory Corporation of America, LabCorp); PubMed 7711739 (cited by OMIM); PubMed 11381270 (cited by OMIM).

NM_033028.5(BBS4):c.884G>C (p.Arg295Pro)

Gene: BBS4 (Bardet-Biedl syndrome 4; plus strand). Cytogenetic location: 15q24.1.
Variant type: single nucleotide variant.
Coding change: c.884G>C on transcript NM_033028.5 (MANE Select); coding-DNA position 884, G replaced by C.
Protein change: p.Arg295Pro; replaces arginine 295 with proline.
Molecular consequence: missense variant. On other transcripts: non-coding transcript variant (2).
Genome position (GRCh38, 1-based): chr15:72,731,574, G>C. VCF-style: chr15-72731574-G-C. GRCh37 (hg19) VCF-style: chr15-73023915-G-C.
Other names: c.368G>C, p.Arg123Pro (NM_001252678.2); c.815G>C, p.Arg272Pro (NM_001320665.2); short protein forms R295P, R123P, R272P.
Identifiers: ClinVar variation 9145 (VCV000009145.3), dbSNP rs121434632, ClinGen allele CA254669.